The following is an entry in ClinVar:

NM_000540.3(RYR1):c.12184G>A (p.Asp4062Asn)

Gene: RYR1 (ryanodine receptor 1; plus strand). Cytogenetic location: 19q13.2.
Variant type: single nucleotide variant.
Coding change: c.12184G>A on transcript NM_000540.3 (MANE Select); coding-DNA position 12184, G replaced by A.
Protein change: p.Asp4062Asn; replaces aspartic acid 4062 with asparagine.
Molecular consequence: missense variant.
Genome position (GRCh38, 1-based): chr19:38,548,322, G>A. VCF-style: chr19-38548322-G-A. GRCh37 (hg19) VCF-style: chr19-39038962-G-A.
Other names: c.12169G>A, p.Asp4057Asn (NM_001042723.2); short protein forms D4057N, D4062N.
Identifiers: ClinVar variation 3075375 (VCV003075375.2), dbSNP rs761408598, ClinGen allele CA058425.

ClinVar aggregate classification (germline): Uncertain significance. Review status: criteria provided, multiple submitters, no conflicts (2 of 4 stars). 2 submissions from 2 submitters: Uncertain significance (2). Last evaluated 2024-01-11.

Conditions:
Malignant hyperthermia, susceptibility to, 1 (MHS1). Also called: Malignant hyperthermia suceptibility 1; Anesthesia related hyperthermia; Malignant hyperpyrexia; Fulminating hyperpyrexia; Pharmacogenic myopathy; RYR1-Related Malignant Hyperthermia Susceptibility. Identifiers: Orphanet 423, MedGen C2930980, MONDO:0007783, OMIM 145600.

Allele frequency attached by ClinVar (database versions not stated): gnomAD 0.00001; ExAC 0.00002.
gnomAD v4.1: 8 of 1,614,064 alleles (0.0005%); highest among the groups gnomAD compares: Admixed American, 0.0033%; no homozygotes.

Submissions (2):

All of Us Research Program, National Institutes of Health
Classification: Uncertain significance for Malignant hyperthermia, susceptibility to, 1. Last evaluated: 2024-01-11. Review status: criteria provided, single submitter. Criteria: ACMG Guidelines, 2015. Collection method: clinical testing. Allele origin: germline. Inheritance: Autosomal dominant inheritance. Observed: 1 variant allele, 1 heterozygote.
Comment: This study involves interpretation of variants in research participants for the purpose of population health screening. Participant phenotype was not available at the time of variant classification. Additional details can be found in publication PMID: 35346344, PMCID: PMC8962531

Blueprint Genetics
Classification: Uncertain significance. Last evaluated: 2023-02-28. Review status: criteria provided, single submitter. Criteria: ACMG Guidelines, 2015. Collection method: clinical testing. Allele origin: germline.